The following is an entry in ClinVar:

NM_002016.2(FLG):c.11851dup (p.His3951fs)

Genes: CCDST (cervical cancer associated DHX9 suppressive transcript; plus strand), FLG (filaggrin; minus strand). Cytogenetic location: 1q21.3.
Variant type: Duplication.
Coding change: c.11851dup on transcript NM_002016.2 (MANE Select); coding-DNA position 11851, one base duplicated (C; older notation c.11851dupC).
Protein change: p.His3951fs; shifts the reading frame from histidine 3951.
Molecular consequence: frameshift variant.
Genome position (GRCh38, 1-based): chr1:152,303,035, G duplicated on the plus strand (C on the coding strand, the reverse complement: FLG is on the minus strand). VCF-style (leftmost placement, unchanged base first): chr1-152303034-T-TG. GRCh37 (hg19) VCF-style: chr1-152275510-T-TG.
Other names: c.11851dupC (NM_002016.1); short protein forms H3951fs.
Identifiers: ClinVar variation 424374 (VCV000424374.8), dbSNP rs781161516, ClinGen allele CA1102761.

ClinVar aggregate classification (germline): Pathogenic (1 of 4 stars; one submission).

Allele frequency attached by ClinVar (database versions not stated): TOPMed 0.00008; gnomAD exomes 0.00003 and 0.00001; gnomAD 0.00012 and 0.00011; ExAC 0.00004; ESP Exome Variant Server 0.00008.

Submission:

GeneDx
Classification: Pathogenic. Last evaluated: 2026-07-27. Review status: criteria provided, single submitter. Criteria: GeneDx Variant Classification Process June 2021. Collection method: clinical testing. Allele origin: germline.
Comment: Frameshift variant predicted to result in abnormal protein length as the last 111 amino acid(s) are replaced with 3 different amino acid(s), and other similar variants have been reported in HGMD; Has not been previously published as pathogenic or benign to our knowledge; This variant is associated with the following publications: (PMID: 16444271, 24077912)